The following is an entry in ClinVar:

ClinVar aggregate classification (germline): Uncertain significance (1 of 4 stars; one submission).

Conditions:
Neurodevelopmental disorder with hypotonia, seizures, and absent language (NDHSAL). Identifiers: MedGen C4310643, MONDO:0014995, OMIM 617268.

Submission:

Victorian Clinical Genetics Services, Murdoch Childrens Research Institute
Classification: Uncertain significance for Neurodevelopmental disorder with hypotonia, seizures, and absent language. Last evaluated: 2025-07-31. Review status: criteria provided, single submitter. Criteria: ACMG Guidelines, 2015. Collection method: clinical testing. Allele origin: germline. Affected: yes.
Comment: This variant is classified as VUS-3B. Evidence in support of pathogenic classification: Variant is absent from gnomAD (v2, v3 and v4); Missense variant predicted to be damaging by in silico tool(s) or highly conserved with a major amino acid change. Additional information: Variant is predicted to result in a missense amino acid change from Ser to Tyr; This variant is heterozygous; This gene is associated with autosomal dominant disease. Autosomal recessive inheritance has been reported for putative loss of function variants, however, this association is not well established (PanelApp Australia); This variant has no previous evidence of pathogenicity; No published evidence of segregation with disease has been identified for this variant; No published functional evidence has been identified for this variant; No comparable missense variants have previous evidence for pathogenicity; Variant is located in the annotated N-terminal domain of E3 ubiquitin-protein ligase HECW1 and 2 (DECIPHER); The mechanism of disease for this gene is not clearly established. However, gain of function has been suggested as a mechanism of disease (PMID: 34321324); Variants in this gene are known to have variable expressivity (PMID: 34321324); Inheritance information for this variant is not currently available in this individual.

Literature cited by the submitters: PubMed 34321324.

NM_001348768.2(HECW2):c.323C>A (p.Ser108Tyr)

Gene: HECW2 (HECT, C2 and WW domain containing E3 ubiquitin protein ligase 2; minus strand). Cytogenetic location: 2q32.3.
Variant type: single nucleotide variant.
Coding change: c.323C>A on transcript NM_001348768.2 (MANE Select); coding-DNA position 323, C replaced by A.
Protein change: p.Ser108Tyr; replaces serine 108 with tyrosine.
Molecular consequence: missense variant. On other transcripts: 5 prime UTR variant (1).
Genome position (GRCh38, 1-based): chr2:196,343,734, G>T on the plus strand (C>A on the coding strand, the complement: HECW2 is on the minus strand). VCF-style: chr2-196343734-G-T. GRCh37 (hg19) VCF-style: chr2-197208458-G-T.
Other names: c.-574C>A (NM_001304840.3); c.323C>A, p.Ser108Tyr (NM_020760.4); short protein forms S108Y.
Identifiers: ClinVar variation 4531807 (VCV004531807.1).
Genomic context (GRCh38, chr2:196,343,734, plus strand): 5'-CCAGGCTCAATTCTCCATACAATTTGCCCTTTTTGTGTTCCAGTCACACCCCTGTTCTTA[G>T]AATCCCAGAAGTTGGCTGGAGAATTCTCATCTAGAAAAACCAAAGAAACACTTTTCAGAT-3'
Protein context (NP_001335697.1, residues 98-118): DENSPANFWD[Ser108Tyr]KNRGVTGTQK